The following is an entry in ClinVar:

ClinVar aggregate classification (germline): Uncertain significance. Review status: criteria provided, multiple submitters, no conflicts (2 of 4 stars). 2 submissions from 2 submitters: Uncertain significance (2). Last evaluated 2024-12-04.

Conditions:
Inborn genetic diseases. Identifiers: MedGen C0950123, MeSH D030342.

gnomAD v4.1: 20 of 1,608,664 alleles (0.0012%); highest among the groups gnomAD compares: South Asian, 0.019%; no homozygotes.

Submissions (2):

Ambry Genetics
Classification: Uncertain significance for Inborn genetic diseases. Last evaluated: 2024-12-04. Review status: criteria provided, single submitter. Criteria: Ambry Variant Classification Scheme 2023. Collection method: clinical testing. Allele origin: germline.

GeneDx
Classification: Uncertain significance. Last evaluated: 2021-05-27. Review status: criteria provided, single submitter. Criteria: GeneDx Variant Classification Process June 2021. Collection method: clinical testing. Allele origin: germline. Affected: yes.
Comment: In silico analysis supports that this missense variant has a deleterious effect on protein structure/function; Has not been previously published as pathogenic or benign to our knowledge

NM_176787.5(PIGN):c.719A>T (p.Glu240Val)

Gene: PIGN (phosphatidylinositol glycan anchor biosynthesis class N; minus strand). Cytogenetic location: 18q21.33.
Variant type: single nucleotide variant.
Coding change: c.719A>T on transcript NM_176787.5 (MANE Select); coding-DNA position 719, A replaced by T.
Protein change: p.Glu240Val; replaces glutamic acid 240 with valine.
Molecular consequence: missense variant.
Genome position (GRCh38, 1-based): chr18:62,147,057, T>A on the plus strand (A>T on the coding strand, the complement: PIGN is on the minus strand). VCF-style: chr18-62147057-T-A. GRCh37 (hg19) VCF-style: chr18-59814290-T-A.
Other names: c.719A>T, p.Glu240Val (NM_012327.6); short protein forms E240V.
Identifiers: ClinVar variation 1210655 (VCV001210655.4), dbSNP rs780180671, ClinGen allele CA8982519.